The following is an entry in ClinVar:

ClinVar aggregate classification (germline): Pathogenic (1 of 4 stars; one submission).

Submission:

Labcorp Genetics (formerly Invitae), Labcorp
Classification: Pathogenic. Last evaluated: 2021-11-02. Review status: criteria provided, single submitter. Criteria: Invitae Variant Classification Sherloc (09022015). Collection method: clinical testing. Allele origin: germline.
Comment: This sequence change creates a premature translational stop signal (p.Glu382*) in the LAMA3 gene. It is expected to result in an absent or disrupted protein product. Loss-of-function variants in LAMA3 are known to be pathogenic (PMID: 10366601, 11810295, 12915477, 16473856, 17362460, 22434185, 23869449, 27827380, 28087116). This variant is not present in population databases (gnomAD no frequency). This variant has not been reported in the literature in individuals affected with LAMA3-related conditions. For these reasons, this variant has been classified as Pathogenic.

Literature cited by the submitters: PubMed 10366601; PubMed 11810295; PubMed 12915477; PubMed 16473856; PubMed 17362460; PubMed 22434185; PubMed 23869449; PubMed 27827380; PubMed 28087116.

NM_198129.4(LAMA3):c.5971G>T (p.Glu1991Ter)

Gene: LAMA3 (laminin subunit alpha 3; plus strand). Cytogenetic location: 18q11.2.
Variant type: single nucleotide variant.
Coding change: c.5971G>T on transcript NM_198129.4 (MANE Select); coding-DNA position 5971, G replaced by T.
Protein change: p.Glu1991Ter; replaces glutamic acid 1991 with a stop codon.
Molecular consequence: nonsense. On other transcripts: intron variant (2).
Genome position (GRCh38, 1-based): chr18:23,899,422, G>T. VCF-style: chr18-23899422-G-T. GRCh37 (hg19) VCF-style: chr18-21479386-G-T.
Other names: c.1144G>T, p.Glu382Ter (NM_000227.6); c.5836+357G>T (NM_001127717.4); c.1009+357G>T (NM_001127718.4); short protein forms E1991*, E382*.
Identifiers: ClinVar variation 1457558 (VCV001457558.6), dbSNP rs2145106713, ClinGen allele CA402047424.